The following is an entry in ClinVar:

ClinVar aggregate classification (germline): Conflicting classifications of pathogenicity. Review status: criteria provided, conflicting classifications (1 of 4 stars). 3 submissions from 3 submitters: Uncertain significance (1); Likely benign (2). Last evaluated 2025-12-08.

Conditions:
CEP164-related disorder. Also called: CEP164-related condition.
Nephronophthisis 15 (NPHP15). Identifiers: Orphanet 3156, MedGen C3541853, MONDO:0013917, OMIM 614845.

Allele frequency attached by ClinVar (database versions not stated): gnomAD 0.00007; ExAC 0.00013; gnomAD exomes 0.00014 and 0.00018; TOPMed 0.00014; 1000 Genomes Project 30x 0.00016; 1000 Genomes Project 0.00020.
gnomAD v4.1: 213 of 1,614,170 alleles (0.013%); highest among the groups gnomAD compares: Middle Eastern, 0.17%; no homozygotes.

Submissions (3):

Labcorp Genetics (formerly Invitae), Labcorp
Classification: Likely benign for Nephronophthisis 15. Last evaluated: 2025-12-08. Review status: criteria provided, single submitter. Criteria: Invitae Variant Classification Sherloc (09022015). Collection method: clinical testing. Allele origin: germline.

PreventionGenetics, part of Exact Sciences
Classification: Likely benign for CEP164-related condition. Last evaluated: 2024-12-18. Review status: criteria provided, single submitter. Criteria: ACMG Guidelines, 2015. Collection method: clinical testing. Allele origin: germline.
Comment: This variant is classified as likely benign based on ACMG/AMP sequence variant interpretation guidelines (Richards et al. 2015 PMID: 25741868, with internal and published modifications).

Blueprint Genetics
Classification: Uncertain significance. Last evaluated: 2024-11-20. Review status: criteria provided, single submitter. Criteria: ACMG Guidelines, 2015. Collection method: clinical testing. Allele origin: germline.

NM_014956.5(CEP164):c.2845-6T>G

Gene: CEP164 (centrosomal protein 164; plus strand). Cytogenetic location: 11q23.3.
Variant type: single nucleotide variant.
Coding change: c.2845-6T>G on transcript NM_014956.5 (MANE Select); 6 bases into the intron before coding-DNA position 2845, T replaced by G.
Molecular consequence: intron variant.
Genome position (GRCh38, 1-based): chr11:117,395,117, T>G. VCF-style: chr11-117395117-T-G. GRCh37 (hg19) VCF-style: chr11-117265833-T-G.
Other names: c.2854-6T>G (NM_001271933.2).
Identifiers: ClinVar variation 772992 (VCV000772992.13), dbSNP rs201515694, ClinGen allele CA6295248.